The following is an entry in ClinVar:

ClinVar aggregate classification (germline): Pathogenic (1 of 4 stars; one submission).

Conditions:
Emery-Dreifuss muscular dystrophy 4, autosomal dominant (EDMD4). Also called: EMERY-DREIFUSS MUSCULAR DYSTROPHY 4 WITH VARIABLE FEATURES. Identifiers: Orphanet 261, MedGen C2751807, MONDO:0013071, OMIM 612998.
Autosomal recessive ataxia, Beauce type. Also called: Spinocerebellar ataxia, autosomal recessive 8; ATAXIA, RECESSIVE, OF BEAUCE; SYNE1 Deficiency; SYNE1-Related Autosomal Recessive Cerebellar Ataxia. Identifiers: Orphanet 88644, MedGen C1853116, MONDO:0012549, OMIM 610743.

Submission:

Labcorp Genetics (formerly Invitae), Labcorp
Classification: Pathogenic for Emery-Dreifuss muscular dystrophy 4, autosomal dominant; Autosomal recessive ataxia, Beauce type. Last evaluated: 2021-12-02. Review status: criteria provided, single submitter. Criteria: Invitae Variant Classification Sherloc (09022015). Collection method: clinical testing. Allele origin: germline.
Comment: This sequence change creates a premature translational stop signal (p.Pro76Leufs*8) in the SYNE1 gene. It is expected to result in an absent or disrupted protein product. Loss-of-function variants in SYNE1 are known to be pathogenic (PMID: 19542096, 24319099, 27086870). This variant is not present in population databases (gnomAD no frequency). This variant has not been reported in the literature in individuals affected with SYNE1-related conditions. This variant is also known as c.225+1del. Algorithms developed to predict the effect of sequence changes on RNA splicing suggest that this variant may disrupt the consensus splice site. For these reasons, this variant has been classified as Pathogenic.

Literature cited by the submitters: PubMed 19542096; PubMed 24319099; PubMed 27086870.

NM_182961.4(SYNE1):c.225+1del

Gene: SYNE1 (spectrin repeat containing nuclear envelope protein 1; minus strand). Cytogenetic location: 6q25.2.
Variant type: Deletion.
Coding change: c.225+1del on transcript NM_182961.4 (MANE Select); the canonical splice donor site of the intron after coding-DNA position 225, one base deleted (G; older notation c.225+1delG).
Molecular consequence: splice donor variant.
Genome position (GRCh38, 1-based): chr6:152,526,079, C deleted on the plus strand (G on the coding strand, the reverse complement: SYNE1 is on the minus strand); the first of 2 consecutive C bases (chr6:152,526,079-152,526,080); deleting either gives the same sequence. VCF-style (leftmost placement, unchanged base first): chr6-152526078-AC-A. GRCh37 (hg19) VCF-style: chr6-152847213-AC-A.
Other names: c.225+1del (NM_033071.5).
Identifiers: ClinVar variation 1455681 (VCV001455681.6), dbSNP rs2154353746, ClinGen allele CA2573140645.
Genomic context (GRCh38, chr6:152,526,078, plus strand): 5'-ATAGTCCCCAAATTCCAAATGGAAACAATTTGACAAGTATGATCACACAAAAAAATTCTT[AC>A]CAGTTTCTGCCCAGACAGGACCTCCAGAAGGGCAAGCAGTTTAACACCATCTTTCATGTC-3'